The following is an entry in ClinVar:

NM_024649.5(BBS1):c.*955G>A

Genes: BBS1 (Bardet-Biedl syndrome 1; plus strand), ZDHHC24 (zDHHC palmitoyltransferase 24; minus strand). Cytogenetic location: 11q13.2.
Variant type: single nucleotide variant.
Coding change: c.*955G>A on transcript NM_024649.5 (MANE Select); 955 bases downstream of the stop codon, G replaced by A.
Molecular consequence: 3 prime UTR variant. On other transcripts: intron variant (1).
Genome position (GRCh38, 1-based): chr11:66,532,992, G>A. VCF-style: chr11-66532992-G-A. GRCh37 (hg19) VCF-style: chr11-66300463-G-A.
Other names: c.560-3504C>T (NM_001348571.2).
Identifiers: ClinVar variation 305483 (VCV000305483.8), dbSNP rs1791686, ClinGen allele CA10631293.

ClinVar aggregate classification (germline): Benign. Review status: criteria provided, multiple submitters, no conflicts (2 of 4 stars). 2 submissions from 2 submitters: Benign (2). Last evaluated 2018-01-12.

Conditions:
Bardet-Biedl syndrome 1 (BBS1). Identifiers: MedGen C2936862, MONDO:0008854, OMIM 209900. Disease mechanism: loss of function.

Allele frequency attached by ClinVar (database versions not stated): TOPMed 0.34892; 1000 Genomes Project 30x 0.37648; gnomAD 0.34601 and 0.33323; gnomAD exomes 0.25000; 1000 Genomes Project 0.38458.
gnomAD v4.1: 52,777 of 152,140 alleles (35%); highest among the groups gnomAD compares: South Asian, 59%; 10,651 homozygotes.

Submissions (2):

Illumina Laboratory Services, Illumina
Classification: Benign for Bardet-Biedl syndrome 1. Last evaluated: 2018-01-12. Review status: criteria provided, single submitter. Criteria: ICSL Variant Classification Criteria 13 December 2019. Collection method: clinical testing. Allele origin: germline.
Comment: This variant was observed in the ICSL laboratory as part of a predisposition screen in an ostensibly healthy population. It had not been previously curated by ICSL or reported in the Human Gene Mutation Database (HGMD: prior to June 1st, 2018), and was therefore a candidate for classification through an automated scoring system. Utilizing variant allele frequency, disease prevalence and penetrance estimates, and inheritance mode, an automated score was calculated to assess if this variant is too frequent to cause the disease. Based on the score and internal cut-off values, a variant classified as benign is not then subjected to further curation. The score for this variant resulted in a classification of benign for this disease.

Breakthrough Genomics
Classification: Benign. Review status: criteria provided, single submitter. Criteria: ACMG Guidelines, 2015. Collection method: not provided. Allele origin: germline. Inheritance: Autosomal recessive inheritance. Affected: yes.